The following is an entry in ClinVar:

NM_173354.5(SIK1):c.1133G>T (p.Gly378Val)

Gene: SIK1 (salt inducible kinase 1; minus strand). Cytogenetic location: 21q22.3.
Variant type: single nucleotide variant.
Coding change: c.1133G>T on transcript NM_173354.5 (MANE Select); coding-DNA position 1133, G replaced by T.
Protein change: p.Gly378Val; replaces glycine 378 with valine.
Molecular consequence: missense variant.
Genome position (GRCh38, 1-based): chr21:43,419,465, C>A on the plus strand (G>T on the coding strand, the complement: SIK1 is on the minus strand). VCF-style: chr21-43419465-C-A. GRCh37 (hg19) VCF-style: chr21-44839345-C-A.
Other names: short protein forms G378V.
Identifiers: ClinVar variation 1016319 (VCV001016319.9), dbSNP rs1435775681, ClinGen allele CA410608653.

ClinVar aggregate classification (germline): Uncertain significance (1 of 4 stars; one submission).

Conditions:
Developmental and epileptic encephalopathy, 30 (DEE30). Also called: Epileptic encephalopathy, early infantile, 30. Identifiers: MedGen C4225360, MONDO:0014595, OMIM 616341.

Allele frequency attached by ClinVar (database versions not stated): gnomAD exomes below 0.00001.

Submission:

Labcorp Genetics (formerly Invitae), Labcorp
Classification: Uncertain significance for Developmental and epileptic encephalopathy, 30. Last evaluated: 2023-11-08. Review status: criteria provided, single submitter. Criteria: Invitae Variant Classification Sherloc (09022015). Collection method: clinical testing. Allele origin: germline.
Comment: This sequence change replaces glycine, which is neutral and non-polar, with valine, which is neutral and non-polar, at codon 378 of the SIK1 protein (p.Gly378Val). This variant is present in population databases (no rsID available, gnomAD 0.007%). This variant has not been reported in the literature in individuals affected with SIK1-related conditions. ClinVar contains an entry for this variant (Variation ID: 1016319). Advanced modeling of protein sequence and biophysical properties (such as structural, functional, and spatial information, amino acid conservation, physicochemical variation, residue mobility, and thermodynamic stability) performed at Invitae indicates that this missense variant is not expected to disrupt SIK1 protein function with a negative predictive value of 95%. In summary, the available evidence is currently insufficient to determine the role of this variant in disease. Therefore, it has been classified as a Variant of Uncertain Significance.